The following is an entry in ClinVar:

NM_020738.4(KIDINS220):c.4809G>A (p.Val1603=)

Gene: KIDINS220 (kinase D interacting substrate 220; minus strand). Cytogenetic location: 2p25.1.
Variant type: single nucleotide variant.
Coding change: c.4809G>A on transcript NM_020738.4 (MANE Select); coding-DNA position 4809, G replaced by A.
Protein change: p.Val1603=; no amino-acid change (valine 1603 retained).
Molecular consequence: synonymous variant. On other transcripts: intron variant (6).
Genome position (GRCh38, 1-based): chr2:8,731,227, C>T on the plus strand (G>A on the coding strand, the complement: KIDINS220 is on the minus strand). VCF-style: chr2-8731227-C-T. GRCh37 (hg19) VCF-style: chr2-8871357-C-T.
Other names: c.4812G>A, p.Val1604= (NM_001348729.2); c.4755G>A, p.Val1585= (NM_001348731.2); c.4752G>A, p.Val1584= (NM_001348732.2); c.4641G>A, p.Val1547= (NM_001348734.2); c.4638G>A, p.Val1546= (NM_001348735.2); c.4512G>A, p.Val1504= (NM_001348736.2); c.3882+2217G>A (NM_001348741.2, NM_001348742.2, NM_001348743.2); c.3996+2217G>A (NM_001348738.2); and 1 more.
Identifiers: ClinVar variation 3352118 (VCV003352118.1).

ClinVar aggregate classification (germline): Likely benign (0 of 4 stars; one submission).

Conditions:
KIDINS220-related disorder. Also called: KIDINS220-related condition.

gnomAD v4.1: 47 of 1,614,048 alleles (0.0029%); highest among the groups gnomAD compares: Admixed American, 0.0067%; no homozygotes.

Submission:

PreventionGenetics, part of Exact Sciences
Classification: Likely benign for KIDINS220-related condition. Last evaluated: 2023-07-25. Review status: no assertion criteria provided. Collection method: clinical testing. Allele origin: germline.
Comment: This variant is classified as likely benign based on ACMG/AMP sequence variant interpretation guidelines (Richards et al. 2015 PMID: 25741868, with internal and published modifications).